The following is an entry in ClinVar:

ClinVar aggregate classification (germline): Uncertain significance (1 of 4 stars; one submission).

Allele frequency attached by ClinVar (database versions not stated): gnomAD 0.00001 and 0.00002; gnomAD exomes 0.00001; ExAC 0.00002; TOPMed 0.00002; ESP Exome Variant Server 0.00008.
gnomAD v4.1: 17 of 1,613,056 alleles (0.0011%); highest among the groups gnomAD compares: Non-Finnish European, 0.0014%; no homozygotes.

Submission:

Labcorp Genetics (formerly Invitae), Labcorp
Classification: Uncertain significance. Last evaluated: 2021-09-24. Review status: criteria provided, single submitter. Criteria: Invitae Variant Classification Sherloc (09022015). Collection method: clinical testing. Allele origin: germline.
Comment: This sequence change replaces phenylalanine with isoleucine at codon 327 of the TONSL protein (p.Phe327Ile). The phenylalanine residue is highly conserved and there is a small physicochemical difference between phenylalanine and isoleucine. This variant is present in population databases (rs375292094, ExAC 0.003%). This variant has not been reported in the literature in individuals with TONSL-related conditions. Algorithms developed to predict the effect of missense changes on protein structure and function are either unavailable or do not agree on the potential impact of this missense change (SIFT: "Tolerated"; PolyPhen-2: "Probably Damaging"; Align-GVGD: "Class C0"). In summary, the available evidence is currently insufficient to determine the role of this variant in disease. Therefore, it has been classified as a Variant of Uncertain Significance.

NM_013432.5(TONSL):c.979T>A (p.Phe327Ile)

Gene: TONSL (tonsoku like, DNA repair protein; minus strand). Cytogenetic location: 8q24.3.
Variant type: single nucleotide variant.
Coding change: c.979T>A on transcript NM_013432.5 (MANE Select); coding-DNA position 979, T replaced by A.
Protein change: p.Phe327Ile; replaces phenylalanine 327 with isoleucine.
Molecular consequence: missense variant.
Genome position (GRCh38, 1-based): chr8:144,440,998, A>T on the plus strand (T>A on the coding strand, the complement: TONSL is on the minus strand). VCF-style: chr8-144440998-A-T. GRCh37 (hg19) VCF-style: chr8-145666381-A-T.
Other names: short protein forms F327I.
Identifiers: ClinVar variation 1469416 (VCV001469416.5), dbSNP rs375292094, ClinGen allele CA4943436.